The following is an entry in ClinVar:

NM_001252024.2(TRPM1):c.1187A>G (p.Gln396Arg)

Gene: TRPM1 (transient receptor potential cation channel subfamily M member 1; minus strand). Cytogenetic location: 15q13.3.
Variant type: single nucleotide variant.
Coding change: c.1187A>G on transcript NM_001252024.2 (MANE Select); coding-DNA position 1187, A replaced by G.
Protein change: p.Gln396Arg; replaces glutamine 396 with arginine.
Molecular consequence: missense variant.
Genome position (GRCh38, 1-based): chr15:31,060,620, T>C on the plus strand (A>G on the coding strand, the complement: TRPM1 is on the minus strand). VCF-style: chr15-31060620-T-C. GRCh37 (hg19) VCF-style: chr15-31352823-T-C.
Other names: c.1238A>G, p.Gln413Arg (NM_001252020.2); c.1121A>G, p.Gln374Arg (NM_002420.6); c.1238A>G (NM_001252020.1); c.1121A>G (NM_002420.4); short protein forms Q396R, Q413R, Q374R.
Identifiers: ClinVar variation 1390693 (VCV001390693.9), dbSNP rs2034205460, ClinGen allele CA391521709.
Genomic context (GRCh38, chr15:31,060,620, plus strand): 5'-AAGACAAAGATCTGGCTTCGTGCTATGTCCACGCGGTTCCAAGCCAGTGCCAAGCTCAGC[T>C]GATCTGGAGCAGATACGTTTGTTCCTGGAAAGGCAAGAAACCGGAATGATTTTTCACTCC-3'
Protein context (NP_001238953.1, residues 386-406): LKGTNVSAPD[Gln396Arg]LSLALAWNRV

ClinVar aggregate classification (germline): Uncertain significance. Review status: criteria provided, multiple submitters, no conflicts (2 of 4 stars). 3 submissions from 3 submitters: Uncertain significance (3). Last evaluated 2025-08-29.

Conditions:
TRPM1-related disorder. Also called: TRPM1-related condition.
Inborn genetic diseases. Identifiers: MedGen C0950123, MeSH D030342.

Allele frequency attached by ClinVar (database versions not stated): gnomAD 0.00002; TOPMed 0.00002.
gnomAD v4.1: 6 of 1,614,130 alleles (0.00037%); highest among the groups gnomAD compares: African/African-American, 0.004%; no homozygotes.

Submissions (3):

PreventionGenetics, part of Exact Sciences
Classification: Uncertain significance for TRPM1-related condition. Last evaluated: 2025-08-29. Review status: criteria provided, single submitter. Criteria: ACMG Guidelines, 2015. Collection method: clinical testing. Allele origin: germline.
Comment: The TRPM1 c.1238A>G variant is predicted to result in the amino acid substitution p.Gln413Arg. To our knowledge, this variant has not been reported in the literature or in a large population database (gnomAD), indicating this variant is rare. At this time, the clinical significance of this variant is uncertain due to the absence of conclusive functional and genetic evidence.

Labcorp Genetics (formerly Invitae), Labcorp
Classification: Uncertain significance. Last evaluated: 2024-11-05. Review status: criteria provided, single submitter. Criteria: Invitae Variant Classification Sherloc (09022015). Collection method: clinical testing. Allele origin: germline.
Comment: This sequence change replaces glutamine, which is neutral and polar, with arginine, which is basic and polar, at codon 374 of the TRPM1 protein (p.Gln374Arg). This variant is not present in population databases (gnomAD no frequency). This variant has not been reported in the literature in individuals affected with TRPM1-related conditions. ClinVar contains an entry for this variant (Variation ID: 1390693). Invitae Evidence Modeling of protein sequence and biophysical properties (such as structural, functional, and spatial information, amino acid conservation, physicochemical variation, residue mobility, and thermodynamic stability) indicates that this missense variant is not expected to disrupt TRPM1 protein function with a negative predictive value of 95%. In summary, the available evidence is currently insufficient to determine the role of this variant in disease. Therefore, it has been classified as a Variant of Uncertain Significance.

Ambry Genetics
Classification: Uncertain significance for Inborn genetic diseases. Last evaluated: 2022-08-16. Review status: criteria provided, single submitter. Criteria: Ambry Variant Classification Scheme 2023. Collection method: clinical testing. Allele origin: germline.